The following is an entry in ClinVar:

ClinVar aggregate classification (germline): Uncertain significance (1 of 4 stars; one submission).

gnomAD v4.1: 4 of 1,613,934 alleles (0.00025%); highest among the groups gnomAD compares: Non-Finnish European, 0.00034%; no homozygotes.

Submission:

Dasa
Classification: Uncertain significance. Last evaluated: 2024-10-08. Review status: criteria provided, single submitter. Criteria: DASA Assertion Criteria. Collection method: clinical testing. Allele origin: germline.
Comment: NM_022841.7(RFX7):c.2999C>T (p.Thr1000Ile) is a missense variant that results in the substitution of threonine with isoleucine. This variant is rare in population databases. Computational prediction algorithms are consistent with a benign effect. The currently available literature and clinical evidence are not sufficient to establish a definitive association between this variant and the reported condition. Therefore, this variant is classified as a variant of uncertain significance.

NM_022841.7(RFX7):c.2999C>T (p.Thr1000Ile)

Gene: RFX7 (regulatory factor X7; minus strand). Cytogenetic location: 15q21.3.
Variant type: single nucleotide variant.
Coding change: c.2999C>T on transcript NM_022841.7 (MANE Select); coding-DNA position 2999, C replaced by T.
Protein change: p.Thr1000Ile; replaces threonine 1000 with isoleucine.
Molecular consequence: missense variant.
Genome position (GRCh38, 1-based): chr15:56,094,729, G>A on the plus strand (C>T on the coding strand, the complement: RFX7 is on the minus strand). VCF-style: chr15-56094729-G-A. GRCh37 (hg19) VCF-style: chr15-56386927-G-A.
Other names: c.2708C>T, p.Thr903Ile (NM_001368073.2, NM_001368074.1, NM_001370554.1); c.2999C>T, p.Thr1000Ile (NM_001370561.1); short protein forms T1000I, T903I.
Identifiers: ClinVar variation 5021071 (VCV005021071.1).